The following is an entry in ClinVar:

ClinVar aggregate classification (germline): Uncertain significance (1 of 4 stars; one submission).

Conditions:
Hereditary cancer-predisposing syndrome. Also called: Neoplastic Syndromes, Hereditary; Tumor predisposition; Hereditary Cancer Syndrome; Hereditary neoplastic syndrome. Identifiers: Orphanet 140162, MedGen C0027672, MeSH D009386, MONDO:0015356.

Submission:

Color Diagnostics, LLC DBA Color Health
Classification: Uncertain significance for Hereditary cancer-predisposing syndrome. Last evaluated: 2024-03-06. Review status: criteria provided, single submitter. Criteria: ACMG Guidelines, 2015. Collection method: clinical testing. Allele origin: germline.
Comment: This missense variant replaces alanine with glycine at codon 1024 of the ATM protein. Computational prediction suggests that this variant may not impact protein structure and function (internally defined REVEL score threshold <= 0.5, PMID: 27666373). Splice site prediction tools suggest that this variant may not impact RNA splicing. To our knowledge, functional studies have not been performed for this variant. This variant has not been reported in individuals affected with hereditary cancer in the literature. This variant has not been identified in the general population by the Genome Aggregation Database (gnomAD). The available evidence is insufficient to determine the role of this variant in disease conclusively. Therefore, this variant is classified as a Variant of Uncertain Significance.

NM_000051.4(ATM):c.3071C>G (p.Ala1024Gly)

Gene: ATM (ATM serine/threonine kinase; plus strand). Cytogenetic location: 11q22.3.
Variant type: single nucleotide variant.
Coding change: c.3071C>G on transcript NM_000051.4 (MANE Select); coding-DNA position 3071, C replaced by G.
Protein change: p.Ala1024Gly; replaces alanine 1024 with glycine.
Molecular consequence: missense variant.
Genome position (GRCh38, 1-based): chr11:108,271,400, C>G. VCF-style: chr11-108271400-C-G. GRCh37 (hg19) VCF-style: chr11-108142127-C-G.
Other names: c.3071C>G, p.Ala1024Gly (NM_001351834.2); short protein forms A1024G.
Identifiers: ClinVar variation 922002 (VCV000922002.4), dbSNP rs746133264, ClinGen allele CA382547689.
Genomic context (GRCh38, chr11:108,271,400, plus strand): 5'-GCAATATGGACTCTGAGAACACAAGGGATGCTCAAGGACAGTTTCTTACAGTAATTGGAG[C>G]ATTTTGGTAGGTACAGTCTATTTTGTGGTCCTATTTTTCTTTTGCTATCTGTGGATACGA-3'
Protein context (NP_000042.3, residues 1014-1034): AQGQFLTVIG[Ala1024Gly]FWHLTKERKY